The following is an entry in ClinVar:

NM_004360.5(CDH1):c.1447G>A (p.Ala483Thr)

Gene: CDH1 (cadherin 1; plus strand). Cytogenetic location: 16q22.1.
Variant type: single nucleotide variant.
Coding change: c.1447G>A on transcript NM_004360.5 (MANE Select); coding-DNA position 1447, G replaced by A.
Protein change: p.Ala483Thr; replaces alanine 483 with threonine.
Molecular consequence: missense variant. On other transcripts: 5 prime UTR variant (2).
Genome position (GRCh38, 1-based): chr16:68,815,641, G>A. VCF-style: chr16-68815641-G-A. GRCh37 (hg19) VCF-style: chr16-68849544-G-A.
Other names: c.1264G>A, p.Ala422Thr (NM_001317184.2); c.-102G>A (NM_001317185.2); c.-373G>A (NM_001317186.2); short protein forms A422T, A483T.
Identifiers: ClinVar variation 1772824 (VCV001772824.3), dbSNP rs2543930843, ClinGen allele CA396463051.
Genomic context (GRCh38, chr16:68,815,641, plus strand): 5'-GAGGTCTCTCTCACCACCTCCACAGCCACCGTCACCGTGGATGTGCTGGATGTGAATGAA[G>A]CCCCCATCTTTGTGCCTCCTGAAAAGAGAGTGGAAGTGTCCGAGGACTTTGGCGTGGGCC-3'
Protein context (NP_004351.1, residues 473-493): VTVDVLDVNE[Ala483Thr]PIFVPPEKRV

ClinVar aggregate classification (germline): Uncertain significance (1 of 4 stars; one submission).

Conditions:
Hereditary cancer-predisposing syndrome. Also called: Hereditary Cancer Syndrome; Hereditary neoplastic syndrome; Neoplastic Syndromes, Hereditary; Tumor predisposition. Identifiers: Orphanet 140162, MedGen C0027672, MeSH D009386, MONDO:0015356.

Submission:

Ambry Genetics
Classification: Uncertain significance for Hereditary cancer-predisposing syndrome. Last evaluated: 2025-06-12. Review status: criteria provided, single submitter. Criteria: Ambry Variant Classification Scheme 2023. Collection method: clinical testing. Allele origin: germline.
Comment: The p.A483T variant (also known as c.1447G>A), located in coding exon 10 of the CDH1 gene, results from a G to A substitution at nucleotide position 1447. The alanine at codon 483 is replaced by threonine, an amino acid with similar properties. This amino acid position is well conserved in available vertebrate species. In addition, the in silico prediction for this alteration is inconclusive. Based on the available evidence, the clinical significance of this variant remains unclear.